The following is an entry in ClinVar:

NM_152564.5(VPS13B):c.8626G>T (p.Glu2876Ter)

Gene: VPS13B (vacuolar protein sorting 13 homolog B; plus strand). Cytogenetic location: 8q22.2.
Variant type: single nucleotide variant.
Coding change: c.8626G>T on transcript NM_152564.5 (MANE Select); coding-DNA position 8626, G replaced by T.
Protein change: p.Glu2876Ter; replaces glutamic acid 2876 with a stop codon.
Molecular consequence: nonsense.
Genome position (GRCh38, 1-based): chr8:99,819,416, G>T. VCF-style: chr8-99819416-G-T. GRCh37 (hg19) VCF-style: chr8-100831644-G-T.
Other names: c.8701G>T, p.Glu2901Ter (NM_017890.5); short protein forms E2876*, E2901*.
Identifiers: ClinVar variation 1526199 (VCV001526199.1), dbSNP rs747644844, ClinGen allele CA371776017.

ClinVar aggregate classification (germline): Likely pathogenic (1 of 4 stars; one submission).

Conditions:
Cohen syndrome (COH1). Also called: PEPPER SYNDROME; Cutis verticis gyrata, retinitis pigmentosa, and sensorineural deafness. Identifiers: Orphanet 193, MedGen C0265223, MONDO:0008999, OMIM 216550.

Submission:

3billion
Classification: Likely pathogenic for Cohen syndrome. Last evaluated: 2022-03-22. Review status: criteria provided, single submitter. Criteria: ACMG Guidelines, 2015. Collection method: clinical testing. Allele origin: germline. Affected: yes. Observed: 1 heterozygote.
Comment: Stop-gained (nonsense): predicted to result in a loss or disruption of normal protein function through nonsense-mediated decay (NMD) or protein truncation. Multiple pathogenic variants are reported downstream of the variant.It is not observed in the gnomAD v2.1.1 dataset. Therefore, this variant is classified as likely pathogenic according to the recommendation of ACMG/AMP guideline.